The following is an entry in ClinVar:

NM_198123.2(CSMD3):c.6728G>A (p.Gly2243Asp)

Gene: CSMD3 (CUB and Sushi multiple domains 3; minus strand). Cytogenetic location: 8q23.3.
Variant type: single nucleotide variant.
Coding change: c.6728G>A on transcript NM_198123.2 (MANE Select); coding-DNA position 6728, G replaced by A.
Protein change: p.Gly2243Asp; replaces glycine 2243 with aspartic acid.
Molecular consequence: missense variant.
Genome position (GRCh38, 1-based): chr8:112,337,656, C>T on the plus strand (G>A on the coding strand, the complement: CSMD3 is on the minus strand). VCF-style: chr8-112337656-C-T. GRCh37 (hg19) VCF-style: chr8-113349885-C-T.
Other names: c.6128G>A, p.Gly2043Asp (NM_001363185.1); c.6416G>A, p.Gly2139Asp (NM_052900.3); c.6608G>A, p.Gly2203Asp (NM_198124.2); short protein forms G2043D, G2139D, G2203D, G2243D.
Identifiers: ClinVar variation 3045296 (VCV003045296.2), dbSNP rs138226564, ClinGen allele CA4849488.
Genomic context (GRCh38, chr8:112,337,656, plus strand): 5'-GTGAGAGCTGAATTTCCAATTAATGTGTATCCTGGGAAACATTCAAATGAAATGGTTTGA[C>T]CCACAGTAAAATCATTACCAATTACAAAACCATTTCGAAACGGGCGTGGATCAGGACAGC-3'
Protein context (NP_937756.1, residues 2233-2253): GFVIGNDFTV[Gly2243Asp]QTISFECFPG

ClinVar aggregate classification (germline): Benign (0 of 4 stars; one submission).

Conditions:
CSMD3-related disorder. Also called: CSMD3-related condition.

Allele frequency attached by ClinVar (database versions not stated): ESP Exome Variant Server 0.00008; TOPMed 0.00074; ExAC 0.00109; 1000 Genomes Project 30x 0.00250; 1000 Genomes Project 0.00280.
gnomAD v4.1: 740 of 1,613,518 alleles (0.046%); highest among the groups gnomAD compares: East Asian, 1.4%; 8 homozygotes.

Submission:

PreventionGenetics, part of Exact Sciences
Classification: Benign for CSMD3-related condition. Last evaluated: 2019-10-31. Review status: no assertion criteria provided. Collection method: clinical testing. Allele origin: germline.
Comment: This variant is classified as benign based on ACMG/AMP sequence variant interpretation guidelines (Richards et al. 2015 PMID: 25741868, with internal and published modifications).